The following is an entry in ClinVar:

NM_014391.3(ANKRD1):c.298A>C (p.Arg100=)

Gene: ANKRD1 (ankyrin repeat domain 1; minus strand). Cytogenetic location: 10q23.31.
Variant type: single nucleotide variant.
Coding change: c.298A>C on transcript NM_014391.3 (MANE Select); coding-DNA position 298, A replaced by C.
Protein change: p.Arg100=; no amino-acid change (arginine 100 retained).
Molecular consequence: synonymous variant.
Genome position (GRCh38, 1-based): chr10:90,919,178, T>G on the plus strand (A>C on the coding strand, the complement: ANKRD1 is on the minus strand). VCF-style: chr10-90919178-T-G. GRCh37 (hg19) VCF-style: chr10-92678935-T-G.
Identifiers: ClinVar variation 1804221 (VCV001804221.1), dbSNP rs2492961063, ClinGen allele CA470765763.
Genomic context (GRCh38, chr10:90,919,178, plus strand): 5'-AAAAAGCCCTTACAATGATTTCAGGTTCTGGTTCCTTTACAACTGGAACTTTAGTTTTCC[T>G]GTATTTTTTCCTTTTCTTCAGTTGAATGATTATTTCAAGGTCTTCTAAATTTTCAAGCTT-3'
Protein context (NP_055206.2, residues 90-110): IIQLKKRKKY[Arg100=]KTKVPVVKEP

ClinVar aggregate classification (germline): Uncertain significance (1 of 4 stars; one submission).

Submission:

GeneDx
Classification: Uncertain significance. Last evaluated: 2022-06-17. Review status: criteria provided, single submitter. Criteria: GeneDx Variant Classification Process June 2021. Collection method: clinical testing. Allele origin: germline. Affected: yes.
Comment: Has not been previously published as pathogenic or benign to our knowledge; Not observed at significant frequency in large population cohorts (gnomAD); In silico analysis supports that this variant does not alter splicing